The following is an entry in ClinVar:

NM_016239.4(MYO15A):c.2045C>T (p.Pro682Leu)

Gene: MYO15A (myosin XVA; plus strand). Cytogenetic location: 17p11.2.
Variant type: single nucleotide variant.
Coding change: c.2045C>T on transcript NM_016239.4 (MANE Select); coding-DNA position 2045, C replaced by T.
Protein change: p.Pro682Leu; replaces proline 682 with leucine.
Molecular consequence: missense variant.
Genome position (GRCh38, 1-based): chr17:18,120,845, C>T. VCF-style: chr17-18120845-C-T. GRCh37 (hg19) VCF-style: chr17-18024159-C-T.
Other names: short protein forms P682L.
Identifiers: ClinVar variation 891197 (VCV000891197.15), dbSNP rs993096170, ClinGen allele CA288388187.

ClinVar aggregate classification (germline): Conflicting classifications of pathogenicity. Review status: criteria provided, conflicting classifications (1 of 4 stars). 6 submissions from 6 submitters: Uncertain significance (5); Likely benign (1). Last evaluated 2026-02-19.

Conditions:
Autosomal recessive nonsyndromic hearing loss 3. Also called: NEUROSENSORY NONSYNDROMIC RECESSIVE DEAFNESS 3. Identifiers: Orphanet 90636, MedGen C1838263, MONDO:0010860, OMIM 600316.
MYO15A-related disorder. Also called: MYO15A-related condition.
Inborn genetic diseases. Identifiers: MedGen C0950123, MeSH D030342.

Allele frequency attached by ClinVar (database versions not stated): 1000 Genomes Project 30x 0.00016; gnomAD exomes 0.00029; TOPMed 0.00029.
gnomAD v4.1: 597 of 1,191,442 alleles (0.05%); highest among the groups gnomAD compares: Non-Finnish European, 0.059%; no homozygotes.

Submissions (6):

PreventionGenetics, part of Exact Sciences
Classification: Uncertain significance for MYO15A-related condition. Last evaluated: 2026-02-19. Review status: criteria provided, single submitter. Criteria: ACMG Guidelines, 2015. Collection method: clinical testing. Allele origin: germline.
Comment: The MYO15A c.2045C>T variant is predicted to result in the amino acid substitution p.Pro682Leu. To our knowledge, this variant has not been reported in the literature. This variant is reported in 0.046% of alleles in individuals of European (Non-Finnish) descent in gnomAD. At this time, the clinical significance of this variant is uncertain due to the absence of conclusive functional and genetic evidence.

Labcorp Genetics (formerly Invitae), Labcorp
Classification: Likely benign. Last evaluated: 2025-08-07. Review status: criteria provided, single submitter. Criteria: Invitae Variant Classification Sherloc (09022015). Collection method: clinical testing. Allele origin: germline.

Blueprint Genetics
Classification: Uncertain significance. Last evaluated: 2024-10-11. Review status: criteria provided, single submitter. Criteria: ACMG Guidelines, 2015. Collection method: clinical testing. Allele origin: germline.

GeneDx
Classification: Uncertain significance. Last evaluated: 2022-12-05. Review status: criteria provided, single submitter. Criteria: GeneDx Variant Classification Process June 2021. Collection method: clinical testing. Allele origin: germline. Affected: yes.
Comment: In silico analysis supports that this missense variant does not alter protein structure/function; Has not been previously published as pathogenic or benign to our knowledge

Ambry Genetics
Classification: Uncertain significance for Inborn genetic diseases. Last evaluated: 2021-09-01. Review status: criteria provided, single submitter. Criteria: Ambry Variant Classification Scheme 2023. Collection method: clinical testing. Allele origin: germline.

Illumina Laboratory Services, Illumina
Classification: Uncertain significance for Autosomal recessive nonsyndromic hearing loss 3. Last evaluated: 2018-01-12. Review status: criteria provided, single submitter. Criteria: ICSL Variant Classification Criteria 13 December 2019. Collection method: clinical testing. Allele origin: germline.